The following is an entry in ClinVar:

NM_000350.3(ABCA4):c.1417_1420dup (p.Thr474fs)

Gene: ABCA4 (ATP binding cassette subfamily A member 4; minus strand). Cytogenetic location: 1p22.1.
Variant type: Duplication.
Coding change: c.1417_1420dup on transcript NM_000350.3 (MANE Select); coding-DNA positions 1417 to 1420, 4 bases duplicated (ATTA; older notation c.1417_1420dupATTA).
Protein change: p.Thr474fs; shifts the reading frame from threonine 474.
Molecular consequence: frameshift variant.
Genome position (GRCh38, 1-based): chr1:94,077,824-94,077,827, TAAT duplicated on the plus strand (ATTA on the coding strand, the reverse complement: ABCA4 is on the minus strand). VCF-style (leftmost placement, unchanged base first): chr1-94077823-G-GTAAT. GRCh37 (hg19) VCF-style: chr1-94543379-G-GTAAT.
Other names: c.1417_1420dup, p.Thr474Asnfs (NM_001425324.1); short protein forms T474fs.
Identifiers: ClinVar variation 960785 (VCV000960785.9), dbSNP rs1661578005, ClinGen allele CA1139656195.

ClinVar aggregate classification (germline): Pathogenic. Review status: criteria provided, multiple submitters, no conflicts (2 of 4 stars). 3 submissions from 3 submitters: Pathogenic (2). 1 of the submissions does not count toward it. Last evaluated 2025-09-07.

Conditions:
ABCA4-related disorder. Also called: ABCA4-related disorders; ABCA4-related condition. Identifiers: MedGen CN239167.
Stargardt disease 3. Also called: MACULAR DYSTROPHY WITH FLECKS, TYPE 3; STARGARDT-LIKE MACULAR DYSTROPHY, AUTOSOMAL DOMINANT. Identifiers: Orphanet 827, MedGen C1838644, MONDO:0010819, OMIM 600110.

Submissions (3):

Labcorp Genetics (formerly Invitae), Labcorp
Classification: Pathogenic. Last evaluated: 2025-09-07. Review status: criteria provided, single submitter. Criteria: Invitae Variant Classification Sherloc (09022015). Collection method: clinical testing. Allele origin: germline.
Comment: This sequence change creates a premature translational stop signal (p.Thr474Asnfs*4) in the ABCA4 gene. It is expected to result in an absent or disrupted protein product. Loss-of-function variants in ABCA4 are known to be pathogenic (PMID: 10958761, 24938718, 25312043, 26780318). This variant is not present in population databases (gnomAD no frequency). This premature translational stop signal has been observed in individual(s) with retinitis pigmentosa (PMID: 31736247). ClinVar contains an entry for this variant (Variation ID: 960785). Algorithms developed to predict the effect of sequence changes on RNA splicing suggest that this variant may create or strengthen a splice site. For these reasons, this variant has been classified as Pathogenic.

Blueprint Genetics
Classification: Pathogenic for ABCA4-related disorders. Last evaluated: 2021-10-18. Review status: criteria provided, single submitter. Criteria: ACMG Guidelines, 2015. Collection method: clinical testing. Allele origin: germline. Affected: yes. Observed: 3 variant alleles.

Ophthalmo-Genetics Lab, Instituto de Oftalmologia Conde de Valenciana
Classification: Pathogenic for Stargardt disease 3. Review status: no assertion criteria provided. Collection method: research. Allele origin: germline. Inheritance: Autosomal recessive inheritance. Affected: yes. Not counted in ClinVar's aggregate classification.

Literature cited by the submitters: PubMed 10958761 (cited by Labcorp Genetics (formerly Invitae), Labcorp); PubMed 24938718 (cited by Labcorp Genetics (formerly Invitae), Labcorp); PubMed 25312043 (cited by Labcorp Genetics (formerly Invitae), Labcorp); PubMed 26780318 (cited by Labcorp Genetics (formerly Invitae), Labcorp); PubMed 31736247 (cited by Labcorp Genetics (formerly Invitae), Labcorp and Ophthalmo-Genetics Lab, Instituto de Oftalmologia Conde de Valenciana).